The following is an entry in ClinVar:

ClinVar aggregate classification (germline): Uncertain significance (1 of 4 stars; one submission).

Submission:

GeneDx
Classification: Uncertain significance. Last evaluated: 2022-02-26. Review status: criteria provided, single submitter. Criteria: GeneDx Variant Classification Process June 2021. Collection method: clinical testing. Allele origin: germline. Affected: yes.
Comment: Has not been previously published as pathogenic or benign to our knowledge; Not observed at significant frequency in large population cohorts (gnomAD); In silico analysis supports that this missense variant does not alter protein structure/function

NM_001385012.1(NBEA):c.997A>G (p.Ile333Val)

Gene: NBEA (neurobeachin; plus strand). Cytogenetic location: 13q13.3.
Variant type: single nucleotide variant.
Coding change: c.997A>G on transcript NM_001385012.1 (MANE Select); coding-DNA position 997, A replaced by G.
Protein change: p.Ile333Val; replaces isoleucine 333 with valine.
Molecular consequence: missense variant.
Genome position (GRCh38, 1-based): chr13:35,056,034, A>G. VCF-style: chr13-35056034-A-G. GRCh37 (hg19) VCF-style: chr13-35630171-A-G.
Other names: c.997A>G, p.Ile333Val (NM_001379245.1, NM_015678.5); short protein forms I333V.
Identifiers: ClinVar variation 1703353 (VCV001703353.2), dbSNP rs751999961, ClinGen allele CA387964184.
Genomic context (GRCh38, chr13:35,056,034, plus strand): 5'-CATTACATATTGATATATTTAATTTTTTTATTTAAGTGGTACATGATCAGCATTGTCCAC[A>G]TTTACAATCGATGGAGGAACAGTGAAATTCGGTGTTATGTTAATGGACAACTGGTATCTT-3'
Protein context (NP_001371941.1, residues 323-343): RKWYMISIVH[Ile333Val]YNRWRNSEIR